The following is an entry in ClinVar:

NM_058216.3(RAD51C):c.303C>T (p.Ile101=)

Gene: RAD51C (RAD51 paralog C; plus strand). Cytogenetic location: 17q22.
Variant type: single nucleotide variant.
Coding change: c.303C>T on transcript NM_058216.3 (MANE Select); coding-DNA position 303, C replaced by T.
Protein change: p.Ile101=; no amino-acid change (isoleucine 101 retained).
Molecular consequence: synonymous variant. On other transcripts: non-coding transcript variant (2).
Genome position (GRCh38, 1-based): chr17:58,695,088, C>T. VCF-style: chr17-58695088-C-T. GRCh37 (hg19) VCF-style: chr17-56772449-C-T.
Other names: c.303C>T, p.Ile101= (NM_002876.4).
Identifiers: ClinVar variation 1642201 (VCV001642201.9), dbSNP rs751840489, ClinGen allele CA8677193.

ClinVar aggregate classification (germline): Benign/Likely benign. Review status: criteria provided, multiple submitters, no conflicts (2 of 4 stars). 3 submissions from 3 submitters: Benign (1); Likely benign (2). Last evaluated 2025-02-14.

Conditions:
Fanconi anemia complementation group O. Also called: RAD51C-Related Fanconi Anemia. Identifiers: Orphanet 84, MedGen C3150653, MONDO:0013248, OMIM 613390.
Breast-ovarian cancer, familial, susceptibility to, 3. Also called: RAD51C-Related Breast/Ovarian Cancer. Identifiers: Orphanet 145, MedGen C3150659, MONDO:0013253, OMIM 613399.
Hereditary cancer-predisposing syndrome. Also called: Tumor predisposition; Hereditary neoplastic syndrome; Neoplastic Syndromes, Hereditary; Hereditary Cancer Syndrome. Identifiers: Orphanet 140162, MedGen C0027672, MeSH D009386, MONDO:0015356.

Allele frequency attached by ClinVar (database versions not stated): gnomAD exomes below 0.00001; ExAC 0.00001.
gnomAD v4.1: 5 of 1,614,116 alleles (0.00031%); highest among the groups gnomAD compares: Non-Finnish European, 0.00034%; no homozygotes.

Submissions (3):

Myriad Genetics, Inc.
Classification: Benign for Breast-ovarian cancer, familial, susceptibility to, 3. Last evaluated: 2025-02-14. Review status: criteria provided, single submitter. Criteria: Myriad Autosomal Dominant, Autosomal Recessive and X-Linked Classification Criteria (2023). Collection method: clinical testing. Allele origin: unknown.
Comment: This variant is considered benign. This variant is a silent/synonymous amino acid change and it is not expected to impact splicing.

Labcorp Genetics (formerly Invitae), Labcorp
Classification: Likely benign for Fanconi anemia complementation group O. Last evaluated: 2024-05-23. Review status: criteria provided, single submitter. Criteria: Invitae Variant Classification Sherloc (09022015). Collection method: clinical testing. Allele origin: germline.

Ambry Genetics
Classification: Likely benign for Hereditary cancer-predisposing syndrome. Last evaluated: 2022-06-15. Review status: criteria provided, single submitter. Criteria: Ambry Variant Classification Scheme 2023. Collection method: clinical testing. Allele origin: germline.